The following is an entry in ClinVar:

ClinVar aggregate classification (germline): Uncertain significance. Review status: criteria provided, multiple submitters, no conflicts (2 of 4 stars). 2 submissions from 2 submitters: Uncertain significance (2). Last evaluated 2025-01-19.

Conditions:
Familial hypobetalipoproteinemia 1. Also called: Hypobetalipoproteinemia, normotriglyceridemic; Acanthocytosis with hypobetalipoproteinemia; APOB-Related Familial Hypobetalipoproteinemia. Identifiers: MedGen C4551990, MONDO:0014252, OMIM 615558.
Hypercholesterolemia, autosomal dominant, type B (FHCL2). Also called: Familial Hypercholesterolemia Type B; HYPERCHOLESTEROLEMIA, FAMILIAL, DUE TO LIGAND-DEFECTIVE APOLIPOPROTEIN B; Familial hypercholesterolemia 2; APOB-Related Familial Hypercholesterolemia, Autosomal Dominant; APOLIPOPROTEIN B-100, FAMILIAL DEFECTIVE; APOLIPOPROTEIN B-100, FAMILIAL LIGAND-DEFECTIVE. Identifiers: MedGen C1704417, MONDO:0007751, OMIM 144010.
Cardiovascular phenotype. Identifiers: MedGen CN230736.

Allele frequency attached by ClinVar (database versions not stated): gnomAD exomes below 0.00001.
gnomAD v4.1: 2 of 1,614,150 alleles (0.00012%); highest among the groups gnomAD compares: Non-Finnish European, 0.00017%; no homozygotes.

Submissions (2):

Labcorp Genetics (formerly Invitae), Labcorp
Classification: Uncertain significance for Familial hypobetalipoproteinemia 1; Hypercholesterolemia, autosomal dominant, type B. Last evaluated: 2025-01-19. Review status: criteria provided, single submitter. Criteria: Invitae Variant Classification Sherloc (09022015). Collection method: clinical testing. Allele origin: germline.
Comment: This sequence change replaces threonine, which is neutral and polar, with serine, which is neutral and polar, at codon 1783 of the APOB protein (p.Thr1783Ser). This variant is not present in population databases (gnomAD no frequency). This variant has not been reported in the literature in individuals affected with APOB-related conditions. ClinVar contains an entry for this variant (Variation ID: 921596). Invitae Evidence Modeling of protein sequence and biophysical properties (such as structural, functional, and spatial information, amino acid conservation, physicochemical variation, residue mobility, and thermodynamic stability) indicates that this missense variant is not expected to disrupt APOB protein function with a negative predictive value of 95%. In summary, the available evidence is currently insufficient to determine the role of this variant in disease. Therefore, it has been classified as a Variant of Uncertain Significance.

Ambry Genetics
Classification: Uncertain significance for Cardiovascular phenotype. Last evaluated: 2022-03-30. Review status: criteria provided, single submitter. Criteria: Ambry Variant Classification Scheme 2023. Collection method: clinical testing. Allele origin: germline.
Comment: The p.T1783S variant (also known as c.5347A>T), located in coding exon 26 of the APOB gene, results from an A to T substitution at nucleotide position 5347. The threonine at codon 1783 is replaced by serine, an amino acid with similar properties. This amino acid position is conserved. In addition, this alteration is predicted to be tolerated by in silico analysis. Since supporting evidence is limited at this time, the clinical significance of this alteration remains unclear.

NM_000384.3(APOB):c.5347A>T (p.Thr1783Ser)

Gene: APOB (apolipoprotein B; minus strand). Cytogenetic location: 2p24.1.
Variant type: single nucleotide variant.
Coding change: c.5347A>T on transcript NM_000384.3 (MANE Select); coding-DNA position 5347, A replaced by T.
Protein change: p.Thr1783Ser; replaces threonine 1783 with serine.
Molecular consequence: missense variant.
Genome position (GRCh38, 1-based): chr2:21,011,521, T>A on the plus strand (A>T on the coding strand, the complement: APOB is on the minus strand). VCF-style: chr2-21011521-T-A. GRCh37 (hg19) VCF-style: chr2-21234393-T-A.
Other names: short protein forms T1783S.
Identifiers: ClinVar variation 921596 (VCV000921596.6), dbSNP rs1663320551, ClinGen allele CA346004914.
Genomic context (GRCh38, chr2:21,011,521, plus strand): 5'-ATTTCAGGTCACTGTTTAAAGTAGTTACCAGAGAATAGGGCTGTAGCTGTAAATTAACAG[T>A]TTGCTTATAAAACTTGTCAGAGCTGTAAATGTTGTCAAGTTTTGAAGAGAAGTCCAGTGA-3'
Protein context (NP_000375.3, residues 1773-1793): IYSSDKFYKQ[Thr1783Ser]VNLQLQPYSL